The following is an entry in ClinVar:

ClinVar aggregate classification (germline): Uncertain significance. Review status: criteria provided, multiple submitters, no conflicts (2 of 4 stars). 2 submissions from 2 submitters: Uncertain significance (2). Last evaluated 2025-08-06.

Conditions:
KSR2-related disorder. Also called: KSR2-related condition.

Allele frequency attached by ClinVar (database versions not stated): gnomAD 0.00002; TOPMed 0.00002; gnomAD exomes 0.00003; ExAC 0.00004.
gnomAD v4.1: 50 of 1,613,582 alleles (0.0031%); highest among the groups gnomAD compares: East Asian, 0.0045%; no homozygotes.

Submissions (2):

PreventionGenetics, part of Exact Sciences
Classification: Uncertain significance for KSR2-related condition. Last evaluated: 2025-08-06. Review status: criteria provided, single submitter. Criteria: ACMG Guidelines, 2015. Collection method: clinical testing. Allele origin: germline.
Comment: The KSR2 c.1742T>C variant is predicted to result in the amino acid substitution p.Ile581Thr. To our knowledge, this variant has not been reported in the literature. This variant is reported in 0.0086% of alleles in individuals of European (Non-Finnish) descent in gnomAD. At this time, the clinical significance of this variant is uncertain due to the absence of conclusive functional and genetic evidence.

Ambry Genetics
Classification: Uncertain significance. Last evaluated: 2023-02-27. Review status: criteria provided, single submitter. Criteria: Ambry Variant Classification Scheme 2023. Collection method: clinical testing. Allele origin: germline.

NM_173598.6(KSR2):c.1829T>C (p.Ile610Thr)

Gene: KSR2 (kinase suppressor of ras 2; minus strand). Cytogenetic location: 12q24.22.
Variant type: single nucleotide variant.
Coding change: c.1829T>C on transcript NM_173598.6 (MANE Select); coding-DNA position 1829, T replaced by C.
Protein change: p.Ile610Thr; replaces isoleucine 610 with threonine.
Molecular consequence: missense variant.
Genome position (GRCh38, 1-based): chr12:117,527,093, A>G on the plus strand (T>C on the coding strand, the complement: KSR2 is on the minus strand). VCF-style: chr12-117527093-A-G. GRCh37 (hg19) VCF-style: chr12-117964898-A-G.
Other names: short protein forms I610T.
Identifiers: ClinVar variation 2471560 (VCV002471560.3), dbSNP rs764135215, ClinGen allele CA6815879.